The following is an entry in ClinVar:

NM_015459.5(ATL3):c.961C>A (p.Leu321Ile)

Genes: ATL3 (atlastin GTPase 3; minus strand), LNCROPM (lncRNA regulator of PLAAT3 mediated phospholipid metabolism; plus strand). Cytogenetic location: 11q13.1.
Variant type: single nucleotide variant.
Coding change: c.961C>A on transcript NM_015459.5 (MANE Select); coding-DNA position 961, C replaced by A.
Protein change: p.Leu321Ile; replaces leucine 321 with isoleucine.
Molecular consequence: missense variant.
Genome position (GRCh38, 1-based): chr11:63,636,224, G>T on the plus strand (C>A on the coding strand, the complement: ATL3 is on the minus strand). VCF-style: chr11-63636224-G-T. GRCh37 (hg19) VCF-style: chr11-63403696-G-T.
Other names: c.907C>A, p.Leu303Ile (NM_001290048.2); short protein forms L303I, L321I.
Identifiers: ClinVar variation 954062 (VCV000954062.5), dbSNP rs1293763136, ClinGen allele CA381026488.
Genomic context (GRCh38, chr11:63,636,224, plus strand): 5'-TTACCAAAAATCAAACATTTTAATAACTAAAACCCATATTTACCTTAAAATACTCCAGTA[G>T]TCCCCGACAGGTGACCTTTGAGCCATTGATCTCCTTTTCCATTAACTTAGATGGGTTTAA-3'
Protein context (NP_056274.3, residues 311-331): INGSKVTCRG[Leu321Ile]LEYFKAYIKI

ClinVar aggregate classification (germline): Uncertain significance (1 of 4 stars; one submission).

Conditions:
Neuropathy, hereditary sensory, type 1F. Also called: Hereditary sensory neuropathy type IF; HSN IF. Identifiers: Orphanet 36386, MedGen C3810194, MONDO:0014286, OMIM 615632.

Allele frequency attached by ClinVar (database versions not stated): gnomAD exomes below 0.00001.
gnomAD v4.1: 1 of 1,613,938 alleles (0.000062%); highest among the groups gnomAD compares: Non-Finnish European, 0.000085%; no homozygotes.

Submission:

Labcorp Genetics (formerly Invitae), Labcorp
Classification: Uncertain significance for Neuropathy, hereditary sensory, type 1F. Last evaluated: 2026-01-18. Review status: criteria provided, single submitter. Criteria: Invitae Variant Classification Sherloc (09022015). Collection method: clinical testing. Allele origin: germline.
Comment: This sequence change replaces leucine, which is neutral and non-polar, with isoleucine, which is neutral and non-polar, at codon 321 of the ATL3 protein (p.Leu321Ile). This variant is present in population databases (no rsID available, gnomAD 0.0009%). This variant has not been reported in the literature in individuals affected with ATL3-related conditions. ClinVar contains an entry for this variant (Variation ID: 954062). Invitae Evidence Modeling of protein sequence and biophysical properties (such as structural, functional, and spatial information, amino acid conservation, physicochemical variation, residue mobility, and thermodynamic stability) indicates that this missense variant is not expected to disrupt ATL3 protein function with a negative predictive value of 80%. In summary, the available evidence is currently insufficient to determine the role of this variant in disease. Therefore, it has been classified as a Variant of Uncertain Significance.